The following is an entry in ClinVar:

NM_001003800.2(BICD2):c.1607A>G (p.Asn536Ser)

Gene: BICD2 (BICD cargo adaptor 2; minus strand). Cytogenetic location: 9q22.31.
Variant type: single nucleotide variant.
Coding change: c.1607A>G on transcript NM_001003800.2 (MANE Select); coding-DNA position 1607, A replaced by G.
Protein change: p.Asn536Ser; replaces asparagine 536 with serine.
Molecular consequence: missense variant.
Genome position (GRCh38, 1-based): chr9:92,719,038, T>C on the plus strand (A>G on the coding strand, the complement: BICD2 is on the minus strand). VCF-style: chr9-92719038-T-C. GRCh37 (hg19) VCF-style: chr9-95481320-T-C.
Other names: c.1607A>G, p.Asn536Ser (NM_015250.4); short protein forms N536S.
Identifiers: ClinVar variation 2189469 (VCV002189469.4), dbSNP rs2490445065, ClinGen allele CA374036812.

ClinVar aggregate classification (germline): Uncertain significance (1 of 4 stars; one submission).

Conditions:
Autosomal dominant childhood-onset proximal spinal muscular atrophy with contractures (SMALED2A). Also called: SPINAL MUSCULAR ATROPHY, LOWER EXTREMITY-PREDOMINANT, 2A, CHILDHOOD ONSET, AUTOSOMAL DOMINANT; Spinal muscular atrophy, lower extremity-predominant, 2A, autosomal dominant. Identifiers: Orphanet 363447, Orphanet 363454, MedGen C4747715, MONDO:0014121, OMIM 615290.

Allele frequency attached by ClinVar (database versions not stated): gnomAD exomes below 0.00001.
gnomAD v4.1: 2 of 1,612,750 alleles (0.00012%); highest among the groups gnomAD compares: Non-Finnish European, 0.00017%; no homozygotes.

Submission:

Labcorp Genetics (formerly Invitae), Labcorp
Classification: Uncertain significance for Autosomal dominant childhood-onset proximal spinal muscular atrophy with contractures. Last evaluated: 2024-10-15. Review status: criteria provided, single submitter. Criteria: Invitae Variant Classification Sherloc (09022015). Collection method: clinical testing. Allele origin: germline.
Comment: This sequence change replaces asparagine, which is neutral and polar, with serine, which is neutral and polar, at codon 536 of the BICD2 protein (p.Asn536Ser). This variant is not present in population databases (gnomAD no frequency). This variant has not been reported in the literature in individuals affected with BICD2-related conditions. ClinVar contains an entry for this variant (Variation ID: 2189469). Invitae Evidence Modeling of protein sequence and biophysical properties (such as structural, functional, and spatial information, amino acid conservation, physicochemical variation, residue mobility, and thermodynamic stability) indicates that this missense variant is not expected to disrupt BICD2 protein function with a negative predictive value of 80%. In summary, the available evidence is currently insufficient to determine the role of this variant in disease. Therefore, it has been classified as a Variant of Uncertain Significance.